The following is an entry in ClinVar:

ClinVar aggregate classification (germline): Uncertain significance. Review status: criteria provided, multiple submitters, no conflicts (2 of 4 stars). 2 submissions from 2 submitters: Uncertain significance (2). Last evaluated 2025-11-22.

Conditions:
Hereditary cancer-predisposing syndrome. Also called: Neoplastic Syndromes, Hereditary; Hereditary Cancer Syndrome; Tumor predisposition; Hereditary neoplastic syndrome. Identifiers: Orphanet 140162, MedGen C0027672, MeSH D009386, MONDO:0015356.
DICER1-related tumor predisposition. Also called: DICER1 syndrome; DICER1-related pleuropulmonary blastoma cancer predisposition syndrome. Identifiers: Orphanet 284343, MedGen C3839822, MONDO:0100216.

gnomAD v4.1: 2 of 1,614,034 alleles (0.00012%); highest among the groups gnomAD compares: East Asian, 0.0022%; no homozygotes.

Submissions (2):

Labcorp Genetics (formerly Invitae), Labcorp
Classification: Uncertain significance for DICER1-related tumor predisposition. Last evaluated: 2025-11-22. Review status: criteria provided, single submitter. Criteria: Invitae Variant Classification Sherloc (09022015). Collection method: clinical testing. Allele origin: germline.
Comment: This sequence change replaces serine, which is neutral and polar, with cysteine, which is neutral and slightly polar, at codon 1477 of the DICER1 protein (p.Ser1477Cys). This variant is not present in population databases (gnomAD no frequency). This variant has not been reported in the literature in individuals affected with DICER1-related conditions. ClinVar contains an entry for this variant (Variation ID: 1510473). Invitae Evidence Modeling of protein sequence and biophysical properties (such as structural, functional, and spatial information, amino acid conservation, physicochemical variation, residue mobility, and thermodynamic stability) indicates that this missense variant is not expected to disrupt DICER1 protein function with a negative predictive value of 95%. In summary, the available evidence is currently insufficient to determine the role of this variant in disease. Therefore, it has been classified as a Variant of Uncertain Significance.

Ambry Genetics
Classification: Uncertain significance for Hereditary cancer-predisposing syndrome. Last evaluated: 2024-02-13. Review status: criteria provided, single submitter. Criteria: Ambry Variant Classification Scheme 2023. Collection method: clinical testing. Allele origin: germline.
Comment: The p.S1477C variant (also known as c.4430C>G), located in coding exon 22 of the DICER1 gene, results from a C to G substitution at nucleotide position 4430. The serine at codon 1477 is replaced by cysteine, an amino acid with dissimilar properties. This amino acid position is conserved. In addition, the in silico prediction for this alteration is inconclusive. Based on the available evidence, the clinical significance of this alteration remains unclear.

NM_177438.3(DICER1):c.4430C>G (p.Ser1477Cys)

Gene: DICER1 (dicer 1, ribonuclease III; minus strand). Cytogenetic location: 14q32.13.
Variant type: single nucleotide variant.
Coding change: c.4430C>G on transcript NM_177438.3 (MANE Select); coding-DNA position 4430, C replaced by G.
Protein change: p.Ser1477Cys; replaces serine 1477 with cysteine.
Molecular consequence: missense variant.
Genome position (GRCh38, 1-based): chr14:95,096,490, G>C on the plus strand (C>G on the coding strand, the complement: DICER1 is on the minus strand). VCF-style: chr14-95096490-G-C. GRCh37 (hg19) VCF-style: chr14-95562827-G-C.
Other names: c.4430C>G, p.Ser1477Cys (NM_001195573.1, NM_001271282.3, NM_001291628.2 and 1 more transcripts); c.4430C>G (NM_177438.2); short protein forms S1477C.
Identifiers: ClinVar variation 1510473 (VCV001510473.10), dbSNP rs1463264407, ClinGen allele CA390868597.
Genomic context (GRCh38, chr14:95,096,490, plus strand): 5'-TCTGATGAAAATGGCATACTACCTAAGGAGGATTTTTTGGGCATTTTCCATTCATATGCA[G>C]AATCAGTGGTTGAAAAAGGAGAAAGAGAGATTTTCTTTACAAAAGCTCCTGACCCCATTA-3'
Protein context (NP_803187.1, residues 1467-1487): ISLSPFSTTD[Ser1477Cys]AYEWKMPKKS